The following is an entry in ClinVar:

NM_001003800.2(BICD2):c.-46C>T

Genes: BICD2 (BICD cargo adaptor 2; minus strand), LOC130002076 (ATAC-STARR-seq lymphoblastoid silent region 20032; plus strand). Cytogenetic location: 9q22.31.
Variant type: single nucleotide variant.
Coding change: c.-46C>T on transcript NM_001003800.2 (MANE Select); 46 bases upstream of the start codon, C replaced by T.
Molecular consequence: 5 prime UTR variant.
Genome position (GRCh38, 1-based): chr9:92,764,790, G>A on the plus strand (C>T on the coding strand, the complement: BICD2 is on the minus strand). VCF-style: chr9-92764790-G-A. GRCh37 (hg19) VCF-style: chr9-95527072-G-A.
Other names: c.-46C>T (NM_015250.4).
Identifiers: ClinVar variation 508549 (VCV000508549.1), dbSNP rs777337517, ClinGen allele CA5126915.

ClinVar aggregate classification (germline): Likely benign (1 of 4 stars; one submission).

Allele frequency attached by ClinVar (database versions not stated): gnomAD 0.00004; gnomAD exomes 0.00056; ExAC 0.00061; TOPMed 0.00010.
gnomAD v4.1: 36 of 1,380,386 alleles (0.0026%); highest among the groups gnomAD compares: Admixed American, 0.098%; no homozygotes.

Submission:

GeneDx
Classification: Likely benign. Last evaluated: 2017-04-05. Review status: criteria provided, single submitter. Criteria: GeneDx Variant Classification (06012015). Collection method: clinical testing. Allele origin: germline. Affected: yes.
Comment: This variant is considered likely benign or benign based on one or more of the following criteria: it is a conservative change, it occurs at a poorly conserved position in the protein, it is predicted to be benign by multiple in silico algorithms, and/or has population frequency not consistent with disease.